The following is an entry in ClinVar:

ClinVar aggregate classification (germline): Uncertain significance (1 of 4 stars; one submission).

Submission:

GeneDx
Classification: Uncertain significance. Last evaluated: 2022-09-28. Review status: criteria provided, single submitter. Criteria: GeneDx Variant Classification Process June 2021. Collection method: clinical testing. Allele origin: germline. Affected: yes.
Comment: Not observed at significant frequency in large population cohorts (gnomAD); In silico analysis supports that this missense variant does not alter protein structure/function; Has not been previously published as pathogenic or benign to our knowledge

NM_014491.4(FOXP2):c.943T>G (p.Ser315Ala)

Gene: FOXP2 (forkhead box P2; plus strand). Cytogenetic location: 7q31.1.
Variant type: single nucleotide variant.
Coding change: c.943T>G on transcript NM_014491.4 (MANE Select); coding-DNA position 943, T replaced by G.
Protein change: p.Ser315Ala; replaces serine 315 with alanine.
Molecular consequence: missense variant. On other transcripts: non-coding transcript variant (2).
Genome position (GRCh38, 1-based): chr7:114,642,577, T>G. VCF-style: chr7-114642577-T-G. GRCh37 (hg19) VCF-style: chr7-114282632-T-G.
Other names: c.940T>G, p.Ser314Ala (NM_001172766.3); c.1018T>G, p.Ser340Ala (NM_001172767.2, NM_148898.4); c.-407T>G (NM_001172777.1); c.943T>G, p.Ser315Ala (NM_148899.3); c.994T>G, p.Ser332Ala (NM_148900.4); short protein forms S314A, S315A, S332A, S340A.
Identifiers: ClinVar variation 2446665 (VCV002446665.1), dbSNP rs1359401489, ClinGen allele CA368963565.
Genomic context (GRCh38, chr7:114,642,577, plus strand): 5'-AATTCCTCCTCGACTACCTCCTCCAACACTTCCAAAGCATCACCACCAATAACTCATCAT[T>G]CCATAGTGAATGGACAGTCTTCAGTTCTAAGTGCAAGACGAGACAGGTAAATCTCATGAG-3'
Protein context (NP_055306.1, residues 305-325): SKASPPITHH[Ser315Ala]IVNGQSSVLS